The following is an entry in ClinVar:

NM_001065.4(TNFRSF1A):c.362_363insTGCAAGACACAG (p.Arg121_Asp122insAlaArgHisArg)

Gene: TNFRSF1A (TNF receptor superfamily member 1A; minus strand). Cytogenetic location: 12p13.31.
Variant type: Insertion.
Coding change: c.362_363insTGCAAGACACAG on transcript NM_001065.4 (MANE Select); coding-DNA positions 362 to 363, TGCAAGACACAG inserted.
Protein change: p.Arg121_Asp122insAlaArgHisArg.
Molecular consequence: inframe insertion. On other transcripts: 5 prime UTR variant (1), non-coding transcript variant (1).
Genome position: GRCh38 VCF-style: chr12-6333476-C-CCTGTGTCTTGCA. GRCh37 (hg19) VCF-style: chr12-6442642-C-CCTGTGTCTTGCA.
Other names: c.38_39insTGCAAGACACAG, p.Arg13_Asp14insAlaArgHisArg (NM_001346091.2); c.-216_-215insTGCAAGACACAG (NM_001346092.2).
Identifiers: ClinVar variation 800355 (VCV000800355.2), dbSNP rs1592047560, ClinGen allele CA915947872.
Genomic context (GRCh38, chr12:6,333,476, plus strand): 5'-GAAAAGGTTTTCACTCCAATAATGCCGGTACTGGTTCTTCCTGCAGCCACACACGGTGTC[C>CCTGTGTCTTGCA]CGGTCCACTGTGCAAGAAGAGATCTCCACCTGACCCATTTCTGGTGAGGGGAGAAGATGG-3'

ClinVar aggregate classification (germline): Pathogenic (0 of 4 stars; one submission).

Conditions:
CHARGE syndrome (CHARGE). Also called: Hittner Hirsch Kreh syndrome; CHARGE ASSOCIATION--COLOBOMA, HEART ANOMALY, CHOANAL ATRESIA, RETARDATION, GENITAL AND EAR ANOMALIES; Coloboma, heart anomaly, choanal atresia, retardation, genital and ear anomalies; CHARGE association; Hall-Hittner syndrome. Identifiers: Orphanet 138, MedGen C0265354, MONDO:0008965.

Submission:

MedGen Diagnostic Laboratory, MedGen Medical Centre
Classification: Pathogenic for CHD7-related CHARGE syndrome. Last evaluated: 2019-11-13. Review status: no assertion criteria provided. Collection method: clinical testing. Allele origin: germline. Inheritance: Autosomal dominant inheritance. Affected: yes. Observed: 3 variant alleles, 3 heterozygotes.